The following is an entry in ClinVar:

NM_000179.3(MSH6):c.2309G>C (p.Gly770Ala)

Gene: MSH6 (mutS homolog 6; plus strand). Cytogenetic location: 2p16.3.
Variant type: single nucleotide variant.
Coding change: c.2309G>C on transcript NM_000179.3 (MANE Select); coding-DNA position 2309, G replaced by C.
Protein change: p.Gly770Ala; replaces glycine 770 with alanine.
Molecular consequence: missense variant. On other transcripts: non-coding transcript variant (5), splice donor variant (1), intron variant (2).
Genome position (GRCh38, 1-based): chr2:47,800,292, G>C. VCF-style: chr2-47800292-G-C. GRCh37 (hg19) VCF-style: chr2-48027431-G-C.
Other names: c.1919G>C, p.Gly640Ala (NM_001281492.2); c.1403G>C, p.Gly468Ala (NM_001281493.2, NM_001281494.2, NM_001406811.1 and 6 more transcripts); c.2405G>C, p.Gly802Ala (NM_001406795.1, NM_001406802.1); c.2309G>C, p.Gly770Ala (NM_001406796.1, NM_001406798.1, NM_001406800.1 and 2 more transcripts); c.2012G>C, p.Gly671Ala (NM_001406797.1, NM_001406801.1, NM_001406805.1 and 10 more transcripts); c.1784G>C, p.Gly595Ala (NM_001406799.1, NM_001406806.1, NM_001406807.1); c.2231G>C, p.Gly744Ala (NM_001406804.1); c.2315G>C, p.Gly772Ala (NM_001406813.1); and 4 more; short protein forms G468A, G640A, G744A, G770A, G714A, G595A, G671A, G772A.
Identifiers: ClinVar variation 3398952 (VCV003398952.1).
Genomic context (GRCh38, chr2:47,800,292, plus strand): 5'-CAAATGGTTCTACTGAAGGAACCCTACTAGAGAGGGTTGATACTTGCCATACTCCTTTTG[G>C]TAAGCGGCTCCTAAAGCAATGGCTTTGTGCCCCACTCTGTAACCATTATGCTATTAATGA-3'
Protein context (NP_000170.1, residues 760-780): ERVDTCHTPF[Gly770Ala]KRLLKQWLCA

ClinVar aggregate classification (germline): Uncertain significance (1 of 4 stars; one submission).

Conditions:
Hereditary cancer-predisposing syndrome. Also called: Hereditary Cancer Syndrome; Tumor predisposition; Hereditary neoplastic syndrome; Neoplastic Syndromes, Hereditary. Identifiers: Orphanet 140162, MedGen C0027672, MeSH D009386, MONDO:0015356.

Submission:

Ambry Genetics
Classification: Uncertain significance for Hereditary cancer-predisposing syndrome. Last evaluated: 2024-11-15. Review status: criteria provided, single submitter. Criteria: Ambry Variant Classification Scheme 2023. Collection method: clinical testing. Allele origin: germline.
Comment: The p.G770A variant (also known as c.2309G>C), located in coding exon 4 of the MSH6 gene, results from a G to C substitution at nucleotide position 2309. The glycine at codon 770 is replaced by alanine, an amino acid with similar properties. This amino acid position is highly conserved in available vertebrate species. In addition, this alteration is predicted to be deleterious by in silico analysis. Based on the available evidence, the clinical significance of this variant remains unclear.